The following is an entry in ClinVar:

NM_005228.5(EGFR):c.921C>T (p.Cys307=)

Gene: EGFR (epidermal growth factor receptor; plus strand). Cytogenetic location: 7p11.2.
Variant type: single nucleotide variant.
Coding change: c.921C>T on transcript NM_005228.5 (MANE Select); coding-DNA position 921, C replaced by T.
Protein change: p.Cys307=; no amino-acid change (cysteine 307 retained).
Molecular consequence: synonymous variant.
Genome position (GRCh38, 1-based): chr7:55,155,861, C>T. VCF-style: chr7-55155861-C-T. GRCh37 (hg19) VCF-style: chr7-55223554-C-T.
Other names: c.786C>T, p.Cys262= (NM_001346897.2, NM_001346899.2); c.921C>T, p.Cys307= (NM_001346898.2, NM_201282.2, NM_201283.2 and 1 more transcripts); c.762C>T, p.Cys254= (NM_001346900.2); c.120C>T, p.Cys40= (NM_001346941.2).
Identifiers: ClinVar variation 721822 (VCV000721822.21), dbSNP rs17289893, ClinGen allele CA4265412.

ClinVar aggregate classification (germline): Benign/Likely benign. Review status: criteria provided, multiple submitters, no conflicts (2 of 4 stars). 5 submissions from 5 submitters: Benign (2); Likely benign (3). Last evaluated 2026-09-01.

Conditions:
EGFR-related lung cancer (EGFR). Identifiers: MedGen CN130014.
Hereditary cancer-predisposing syndrome. Also called: Hereditary neoplastic syndrome; Hereditary Cancer Syndrome; Neoplastic Syndromes, Hereditary; Tumor predisposition. Identifiers: Orphanet 140162, MedGen C0027672, MeSH D009386, MONDO:0015356.

Allele frequency attached by ClinVar (database versions not stated): gnomAD exomes 0.00029 and 0.00069; ExAC 0.00082; 1000 Genomes Project 0.00160; 1000 Genomes Project 30x 0.00203; gnomAD 0.00276 and 0.00302; ESP Exome Variant Server 0.00308; TOPMed 0.00322.
gnomAD v4.1: 840 of 1,613,804 alleles (0.052%); highest among the groups gnomAD compares: African/African-American, 1%; 7 homozygotes.

Submissions (5):

CeGaT Center for Human Genetics Tuebingen
Classification: Likely benign. Last evaluated: 2026-09-01. Review status: criteria provided, single submitter. Criteria: CeGaT Center For Human Genetics Tuebingen Variant Classification Criteria Version 2. Collection method: clinical testing. Allele origin: germline. Affected: yes. Observed: 5 variant alleles.
Comment: EGFR: BP4, BP7, BS1

Labcorp Genetics (formerly Invitae), Labcorp
Classification: Benign for EGFR-related lung cancer. Last evaluated: 2026-02-04. Review status: criteria provided, single submitter. Criteria: Invitae Variant Classification Sherloc (09022015). Collection method: clinical testing. Allele origin: germline.

Blueprint Genetics
Classification: Likely benign. Last evaluated: 2024-11-20. Review status: criteria provided, single submitter. Criteria: ACMG Guidelines, 2015. Collection method: clinical testing. Allele origin: germline.

Ambry Genetics
Classification: Likely benign for Hereditary cancer-predisposing syndrome. Last evaluated: 2024-08-09. Review status: criteria provided, single submitter. Criteria: Ambry Variant Classification Scheme 2023. Collection method: clinical testing. Allele origin: germline.

Breakthrough Genomics
Classification: Benign. Review status: criteria provided, single submitter. Criteria: ACMG Guidelines, 2015. Collection method: not provided. Allele origin: germline. Inheritance: Autosomal recessive inheritance. Affected: yes.